The following is an entry in ClinVar:

NM_001040142.2(SCN2A):c.2005C>T (p.Leu669Phe)

Gene: SCN2A (sodium voltage-gated channel alpha subunit 2; plus strand). Cytogenetic location: 2q24.3.
Variant type: single nucleotide variant.
Coding change: c.2005C>T on transcript NM_001040142.2 (MANE Select); coding-DNA position 2005, C replaced by T.
Protein change: p.Leu669Phe; replaces leucine 669 with phenylalanine.
Molecular consequence: missense variant.
Genome position (GRCh38, 1-based): chr2:165,323,489, C>T. VCF-style: chr2-165323489-C-T. GRCh37 (hg19) VCF-style: chr2-166179999-C-T.
Other names: c.2005C>T, p.Leu669Phe (NM_001040143.2, NM_001371246.1, NM_001371247.1 and 1 more transcripts); short protein forms L669F.
Identifiers: ClinVar variation 894323 (VCV000894323.14), dbSNP rs766470088, ClinGen allele CA1939900.

ClinVar aggregate classification (germline): Conflicting classifications of pathogenicity. Review status: criteria provided, conflicting classifications (1 of 4 stars). 3 submissions from 3 submitters: Uncertain significance (1); Likely benign (2). Last evaluated 2025-09-30.

Conditions:
Seizures, benign familial infantile, 3 (BFIS3). Also called: CONVULSIONS, BENIGN FAMILIAL INFANTILE, 3; Familial neonatal seizures. Identifiers: Orphanet 140927, Orphanet 306, MedGen C1843140, MONDO:0011904, OMIM 607745.
Inborn genetic diseases. Identifiers: MedGen C0950123, MeSH D030342.
Developmental and epileptic encephalopathy, 11 (DEE11). Also called: Early infantile epileptic encephalopathy 11. Identifiers: Orphanet 1934, MedGen C3150987, MONDO:0013388, OMIM 613721.

Allele frequency attached by ClinVar (database versions not stated): gnomAD exomes 0.00003.
gnomAD v4.1: 49 of 1,612,408 alleles (0.003%); highest among the groups gnomAD compares: South Asian, 0.053%; 1 homozygote.

Submissions (3):

Ambry Genetics
Classification: Uncertain significance for Inborn genetic diseases. Last evaluated: 2025-09-30. Review status: criteria provided, single submitter. Criteria: Ambry Variant Classification Scheme 2023. Collection method: clinical testing. Allele origin: germline.

Labcorp Genetics (formerly Invitae), Labcorp
Classification: Likely benign for Seizures, benign familial infantile, 3; Developmental and epileptic encephalopathy, 11. Last evaluated: 2022-09-07. Review status: criteria provided, single submitter. Criteria: Invitae Variant Classification Sherloc (09022015). Collection method: clinical testing. Allele origin: germline.

Illumina Laboratory Services, Illumina
Classification: Likely benign for Seizures, benign familial infantile, 3. Last evaluated: 2018-01-12. Review status: criteria provided, single submitter. Criteria: ICSL Variant Classification Criteria 13 December 2019. Collection method: clinical testing. Allele origin: germline.
Comment: This variant was observed in the ICSL laboratory as part of a predisposition screen in an ostensibly healthy population. It had not been previously curated by ICSL or reported in the Human Gene Mutation Database (HGMD: prior to June 1st, 2018), and was therefore a candidate for classification through an automated scoring system. Utilizing variant allele frequency, disease prevalence and penetrance estimates, and inheritance mode, an automated score was calculated to assess if this variant is too frequent to cause the disease. Based on the score and internal cut-off values, a variant classified as likely benign is not then subjected to further curation. The score for this variant resulted in a classification of likely benign for this disease.